The following is an entry in ClinVar:

NM_014391.3(ANKRD1):c.37_93dup (p.Lys13_Gly31dup)

Gene: ANKRD1 (ankyrin repeat domain 1; minus strand). Cytogenetic location: 10q23.31.
Variant type: Duplication.
Coding change: c.37_93dup on transcript NM_014391.3 (MANE Select); coding-DNA positions 37 to 93, 57 bases duplicated.
Protein change: p.Lys13_Gly31dup.
Molecular consequence: inframe insertion.
Genome position (GRCh38, 1-based): chr10:90,920,283-90,920,339, 57 bases duplicated. GRCh37 (hg19): chr10:92,680,044-92,680,100.
Other names: c.37_93dupAAGAAGAATGGCAATGGGGAGGCAGGGGAATTCCTTCCTGAGGATTTCAGAGATGGA (NM_014391.2).
Identifiers: ClinVar variation 978761 (VCV000978761.8), dbSNP rs1564575040, ClinGen allele CA5598844.

ClinVar aggregate classification (germline): Uncertain significance. Review status: criteria provided, multiple submitters, no conflicts (2 of 4 stars). 3 submissions from 3 submitters: Uncertain significance (3). Last evaluated 2025-08-06.

Conditions:
Cardiovascular phenotype. Identifiers: MedGen CN230736.
ANKRD1-related dilated cardiomyopathy. Identifiers: MedGen CN119551.
Primary dilated cardiomyopathy (DCM). Also called: Dilated Cardiomyopathy. Identifiers: Orphanet 217604, MedGen C0007193, MeSH D002311, MONDO:0005021, HP:0001644. Inheritance: Various modes of inheritance.

Submissions (3):

Ambry Genetics
Classification: Uncertain significance for Cardiovascular phenotype. Last evaluated: 2025-08-06. Review status: criteria provided, single submitter. Criteria: Ambry Variant Classification Scheme 2023. Collection method: clinical testing. Allele origin: germline.
Comment: The c.37_93dup57 variant (also known as p.K13_G31dup), located in coding exon 2 of the ANKRD1 gene, results from an in-frame duplication of 57 nucleotides at nucleotide positions 37 to 93. This results in the duplication of 19 extra residues (KKNGNGEAGEFLPEDFRDG) between codons 13 and 31. This amino acid region is not well conserved in available vertebrate species. In addition, this variant is predicted to be deleterious by in silico analysis (Choi Y et al. PLoS ONE. 2012; 7(10):e46688). The evidence for this gene-disease relationship is limited; therefore, the clinical significance of this alteration is unclear.

Labcorp Genetics (formerly Invitae), Labcorp
Classification: Uncertain significance for ANKRD1-related dilated cardiomyopathy. Last evaluated: 2024-01-04. Review status: criteria provided, single submitter. Criteria: Invitae Variant Classification Sherloc (09022015). Collection method: clinical testing. Allele origin: germline.
Comment: This variant, c.37_93dup, results in the insertion of 19 amino acid(s) of the ANKRD1 protein (p.Lys13_Gly31dup), but otherwise preserves the integrity of the reading frame. This variant is present in population databases (no rsID available, gnomAD 0.02%). This variant has not been reported in the literature in individuals affected with ANKRD1-related conditions. ClinVar contains an entry for this variant (Variation ID: 978761). In summary, the available evidence is currently insufficient to determine the role of this variant in disease. Therefore, it has been classified as a Variant of Uncertain Significance.

Genetics and Genomics Program, Sidra Medicine
Classification: Uncertain significance for Primary dilated cardiomyopathy. Review status: criteria provided, single submitter. Criteria: ACMG Guidelines, 2015. Collection method: research. Allele origin: unknown. Affected: yes. Observed: 1 variant allele.